The following is an entry in ClinVar:

NM_001205293.3(CACNA1E):c.1144G>A (p.Gly382Ser)

Gene: CACNA1E (calcium voltage-gated channel subunit alpha1 E; plus strand). Cytogenetic location: 1q25.3.
Variant type: single nucleotide variant.
Coding change: c.1144G>A on transcript NM_001205293.3 (MANE Select); coding-DNA position 1144, G replaced by A.
Protein change: p.Gly382Ser; replaces glycine 382 with serine.
Molecular consequence: missense variant.
Genome position (GRCh38, 1-based): chr1:181,711,042, G>A. VCF-style: chr1-181711042-G-A. GRCh37 (hg19) VCF-style: chr1-181680178-G-A.
Other names: c.1144G>A, p.Gly382Ser (NM_000721.4, NM_001205294.2); short protein forms G382S.
Identifiers: ClinVar variation 2096679 (VCV002096679.4), dbSNP rs2528443864, ClinGen allele CA343623238.

ClinVar aggregate classification (germline): Uncertain significance (1 of 4 stars; one submission).

Submission:

Labcorp Genetics (formerly Invitae), Labcorp
Classification: Uncertain significance. Last evaluated: 2022-02-11. Review status: criteria provided, single submitter. Criteria: Invitae Variant Classification Sherloc (09022015). Collection method: clinical testing. Allele origin: germline.
Comment: In summary, the available evidence is currently insufficient to determine the role of this variant in disease. Therefore, it has been classified as a Variant of Uncertain Significance. Advanced modeling of protein sequence and biophysical properties (such as structural, functional, and spatial information, amino acid conservation, physicochemical variation, residue mobility, and thermodynamic stability) performed at Invitae indicates that this missense variant is expected to disrupt CACNA1E protein function. This variant has not been reported in the literature in individuals affected with CACNA1E-related conditions. This variant is not present in population databases (gnomAD no frequency). This sequence change replaces glycine, which is neutral and non-polar, with serine, which is neutral and polar, at codon 382 of the CACNA1E protein (p.Gly382Ser).